The following is an entry in ClinVar:

NM_000214.3(JAG1):c.3557C>G (p.Pro1186Arg)

Gene: JAG1 (jagged canonical Notch ligand 1; minus strand). Cytogenetic location: 20p12.2.
Variant type: single nucleotide variant.
Coding change: c.3557C>G on transcript NM_000214.3 (MANE Select); coding-DNA position 3557, C replaced by G.
Protein change: p.Pro1186Arg; replaces proline 1186 with arginine.
Molecular consequence: missense variant.
Genome position (GRCh38, 1-based): chr20:10,639,598, G>C on the plus strand (C>G on the coding strand, the complement: JAG1 is on the minus strand). VCF-style: chr20-10639598-G-C. GRCh37 (hg19) VCF-style: chr20-10620246-G-C.
Other names: c.3557C>G (NM_000214.2); short protein forms P1186R.
Identifiers: ClinVar variation 1057962 (VCV001057962.11), dbSNP rs886357715, ClinGen allele CA311367290.

ClinVar aggregate classification (germline): Conflicting classifications of pathogenicity. Review status: criteria provided, conflicting classifications (1 of 4 stars). 3 submissions from 3 submitters: Uncertain significance (2); Likely benign (1). Last evaluated 2026-03-05.

Conditions:
Alagille syndrome due to a JAG1 point mutation. Also called: JAG1-Related Alagille Syndrome; HEPATIC DUCTULAR HYPOPLASIA, SYNDROMATIC; Alagille Syndrome 1. Identifiers: Orphanet 261619, Orphanet 52, MedGen C1956125, MONDO:0016862, OMIM 118450.
Cardiovascular phenotype. Identifiers: MedGen CN230736.

Allele frequency attached by ClinVar (database versions not stated): gnomAD exomes below 0.00001; TOPMed 0.00001.
gnomAD v4.1: 4 of 1,614,180 alleles (0.00025%); highest among the groups gnomAD compares: Non-Finnish European, 0.00034%; no homozygotes.

Submissions (3):

GeneDx
Classification: Uncertain significance. Last evaluated: 2026-03-05. Review status: criteria provided, single submitter. Criteria: GeneDx Variant Classification Process June 2021. Collection method: clinical testing. Allele origin: germline.
Comment: Not observed at significant frequency in large population cohorts (gnomAD); In silico analysis suggests that this missense variant does not alter protein structure/function; Has not been previously published as pathogenic or benign to our knowledge

Ambry Genetics
Classification: Uncertain significance for Cardiovascular phenotype. Last evaluated: 2025-08-24. Review status: criteria provided, single submitter. Criteria: Ambry Variant Classification Scheme 2023. Collection method: clinical testing. Allele origin: germline.
Comment: The p.P1186R variant (also known as c.3557C>G), located in coding exon 26 of the JAG1 gene, results from a C to G substitution at nucleotide position 3557. The proline at codon 1186 is replaced by arginine, an amino acid with dissimilar properties. This amino acid position is conserved. In addition, this alteration is predicted to be deleterious by in silico analysis. Based on the available evidence, the clinical significance of this variant remains unclear.

Labcorp Genetics (formerly Invitae), Labcorp
Classification: Likely benign for Alagille syndrome due to a JAG1 point mutation. Last evaluated: 2024-01-19. Review status: criteria provided, single submitter. Criteria: Invitae Variant Classification Sherloc (09022015). Collection method: clinical testing. Allele origin: germline.